The following is an entry in ClinVar:

ClinVar aggregate classification (germline): Conflicting classifications of pathogenicity. Review status: criteria provided, conflicting classifications (1 of 4 stars). 2 submissions from 2 submitters: Pathogenic (1); Uncertain significance (1). Last evaluated 2025-11-23.

gnomAD v4.1: 2 of 1,614,016 alleles (0.00012%); highest among the groups gnomAD compares: Non-Finnish European, 0.00017%; no homozygotes.

Submissions (2):

Labcorp Genetics (formerly Invitae), Labcorp
Classification: Pathogenic. Last evaluated: 2025-11-23. Review status: criteria provided, single submitter. Criteria: Invitae Variant Classification Sherloc (09022015). Collection method: clinical testing. Allele origin: germline.
Comment: This sequence change replaces histidine, which is basic and polar, with aspartic acid, which is acidic and polar, at codon 1118 of the ABCA4 protein (p.His1118Asp). This variant is not present in population databases (gnomAD no frequency). This missense change has been observed in individual(s) with retinitis pigmentosa or Stargardt disease (PMID: 25472526, 28559085). In at least one individual the data is consistent with being in trans (on the opposite chromosome) from a pathogenic variant. It has also been observed to segregate with disease in related individuals. ClinVar contains an entry for this variant (Variation ID: 1066460). Invitae Evidence Modeling of protein sequence and biophysical properties (such as structural, functional, and spatial information, amino acid conservation, physicochemical variation, residue mobility, and thermodynamic stability) indicates that this missense variant is expected to disrupt ABCA4 protein function with a positive predictive value of 95%. For these reasons, this variant has been classified as Pathogenic.

Blueprint Genetics
Classification: Uncertain significance. Last evaluated: 2023-03-07. Review status: criteria provided, single submitter. Criteria: ACMG Guidelines, 2015. Collection method: clinical testing. Allele origin: germline.

Literature cited by the submitters: PubMed 25472526 (cited by Labcorp Genetics (formerly Invitae), Labcorp); PubMed 28559085 (cited by Labcorp Genetics (formerly Invitae), Labcorp).

NM_000350.3(ABCA4):c.3352C>G (p.His1118Asp)

Gene: ABCA4 (ATP binding cassette subfamily A member 4; minus strand). Cytogenetic location: 1p22.1.
Variant type: single nucleotide variant.
Coding change: c.3352C>G on transcript NM_000350.3 (MANE Select); coding-DNA position 3352, C replaced by G.
Protein change: p.His1118Asp; replaces histidine 1118 with aspartic acid.
Molecular consequence: missense variant.
Genome position (GRCh38, 1-based): chr1:94,041,379, G>C on the plus strand (C>G on the coding strand, the complement: ABCA4 is on the minus strand). VCF-style: chr1-94041379-G-C. GRCh37 (hg19) VCF-style: chr1-94506935-G-C.
Other names: c.3130C>G, p.His1044Asp (NM_001425324.1); short protein forms H1118D, H1044D.
Identifiers: ClinVar variation 1066460 (VCV001066460.10), dbSNP rs369440533, ClinGen allele CA341291286.